The following is an entry in ClinVar:

ClinVar aggregate classification (germline): Pathogenic (1 of 4 stars; one submission).

Conditions:
X-linked lymphoproliferative disease due to SH2D1A deficiency (XLP1). Also called: DUNCAN DISEASE; IMMUNODEFICIENCY 5; IMMUNODEFICIENCY, X-LINKED PROGRESSIVE COMBINED VARIABLE; INFECTIOUS MONONUCLEOSIS, SEVERE, SUSCEPTIBILITY TO; PURTILO SYNDROME; SH2D1A-Related Lymphoproliferative Disease, X-Linked. Identifiers: Orphanet 2442, Orphanet 538931, MedGen C5399825, MONDO:0024551, OMIM 308240.

Submission:

Labcorp Genetics (formerly Invitae), Labcorp
Classification: Pathogenic for X-linked lymphoproliferative disease due to SH2D1A deficiency. Last evaluated: 2022-03-08. Review status: criteria provided, single submitter. Criteria: Invitae Variant Classification Sherloc (09022015). Collection method: clinical testing. Allele origin: germline.
Comment: This variant disrupts a region of the SH2D1A protein in which other variant(s) (p.Thr53Ile) have been determined to be pathogenic (PMID: 11049992, 11477068, 30572125). This suggests that this is a clinically significant region of the protein, and that variants that disrupt it are likely to be disease-causing. For these reasons, this variant has been classified as Pathogenic. This variant has not been reported in the literature in individuals affected with SH2D1A-related conditions. This variant results in the deletion of part of exon 2 (c.138-5576_185del) of the SH2D1A gene. It is expected to disrupt RNA splicing. Variants that disrupt the donor or acceptor splice site typically lead to a loss of protein function (PMID: 16199547), and loss-of-function variants in SH2D1A are known to be pathogenic (PMID: 9771704, 11049992, 15711562).

Literature cited by the submitters: PubMed 11049992; PubMed 11477068; PubMed 30572125; PubMed 16199547; PubMed 9771704; PubMed 15711562.

NC_000023.10:g.(?_123494030)_(123499653_?)del

Gene: SH2D1A (SH2 domain containing 1A; plus strand). Cytogenetic location: Xq25.
Variant type: Deletion.
Identifiers: ClinVar variation 2424420 (VCV002424420.4).